The following is an entry in ClinVar:

ClinVar aggregate classification (germline): Uncertain significance (1 of 4 stars; one submission).

Conditions:
Hereditary cancer-predisposing syndrome. Also called: Neoplastic Syndromes, Hereditary; Tumor predisposition; Hereditary Cancer Syndrome; Hereditary neoplastic syndrome. Identifiers: Orphanet 140162, MedGen C0027672, MeSH D009386, MONDO:0015356.

Submission:

Ambry Genetics
Classification: Uncertain significance for Hereditary cancer-predisposing syndrome. Last evaluated: 2025-06-12. Review status: criteria provided, single submitter. Criteria: Ambry Variant Classification Scheme 2023. Collection method: clinical testing. Allele origin: germline.
Comment: The p.P2251L variant (also known as c.6752C>T), located in coding exon 15 of the APC gene, results from a C to T substitution at nucleotide position 6752. The proline at codon 2251 is replaced by leucine, an amino acid with similar properties. This amino acid position is highly conserved in available vertebrate species. In addition, in silico predictors for this gene do not accurately predict pathogenicity. Missense alterations in APC are not a common cause of disease (Spier I et al. Genet Med. 2024 Feb;26(2):100992). Based on the available evidence, the clinical significance of this variant remains unclear.

NM_000038.6(APC):c.6752C>T (p.Pro2251Leu)

Gene: APC (APC regulator of Wnt signaling pathway; plus strand). Cytogenetic location: 5q22.2.
Variant type: single nucleotide variant.
Coding change: c.6752C>T on transcript NM_000038.6 (MANE Select); coding-DNA position 6752, C replaced by T.
Protein change: p.Pro2251Leu; replaces proline 2251 with leucine.
Molecular consequence: missense variant.
Genome position (GRCh38, 1-based): chr5:112,842,346, C>T. VCF-style: chr5-112842346-C-T. GRCh37 (hg19) VCF-style: chr5-112178043-C-T.
Other names: c.6752C>T, p.Pro2251Leu (NM_001127510.3, NM_001354895.2); c.6698C>T, p.Pro2233Leu (NM_001127511.3); c.6806C>T, p.Pro2269Leu (NM_001354896.2); c.6782C>T, p.Pro2261Leu (NM_001354897.2); c.6677C>T, p.Pro2226Leu (NM_001354898.2); c.6668C>T, p.Pro2223Leu (NM_001354899.2); c.6629C>T, p.Pro2210Leu (NM_001354900.2); c.6575C>T, p.Pro2192Leu (NM_001354901.2); and 5 more; short protein forms P2233L, P2251L, P2150L, P2160L, P1968L, P2125L, P2210L, P2261L.
Identifiers: ClinVar variation 482395 (VCV000482395.6), dbSNP rs1554087699, ClinGen allele CA16036087.